The following is an entry in ClinVar:

ClinVar aggregate classification (germline): Uncertain significance (1 of 4 stars; one submission).

gnomAD v4.1: 1 of 1,613,588 alleles (0.000062%); highest among the groups gnomAD compares: South Asian, 0.0011%; no homozygotes.

Submission:

GeneDx
Classification: Uncertain significance. Last evaluated: 2025-07-25. Review status: criteria provided, single submitter. Criteria: GeneDx Variant Classification Process June 2021. Collection method: clinical testing. Allele origin: germline. Affected: yes.
Comment: Not observed at significant frequency in large population cohorts (gnomAD); In silico analysis suggests that this missense variant does not alter protein structure/function; Has not been previously published as pathogenic or benign to our knowledge; In silico analysis suggests this variant may impact gene splicing. In the absence of RNA/functional studies, the actual effect of this sequence change is unknown.

NM_006035.4(CDC42BPB):c.4250C>T (p.Ala1417Val)

Gene: CDC42BPB (CDC42 binding protein kinase beta; minus strand). Cytogenetic location: 14q32.32.
Variant type: single nucleotide variant.
Coding change: c.4250C>T on transcript NM_006035.4 (MANE Select); coding-DNA position 4250, C replaced by T.
Protein change: p.Ala1417Val; replaces alanine 1417 with valine.
Molecular consequence: missense variant.
Genome position (GRCh38, 1-based): chr14:102,944,049, G>A on the plus strand (C>T on the coding strand, the complement: CDC42BPB is on the minus strand). VCF-style: chr14-102944049-G-A. GRCh37 (hg19) VCF-style: chr14-103410386-G-A.
Other names: c.4172C>T, p.Ala1391Val (NM_001411054.1); short protein forms A1391V, A1417V.
Identifiers: ClinVar variation 4686929 (VCV004686929.1).
Genomic context (GRCh38, chr14:102,944,049, plus strand): 5'-TACTCCTCGCTTTCGAGCTCCACAGCACAAAGGGCATCAAAAGACTGTTGTGAGAGGAAC[G>A]CAAGCGAGGGGTCATTGGGATTTACCAGGTTTAGAGGCTGCCCGTCCCCCTGGATGCTCA-3'
Protein context (NP_006026.3, residues 1407-1427): NLVNPNDPSL[Ala1417Val]FLSQQSFDAL